The following is an entry in ClinVar:

ClinVar aggregate classification (germline): Uncertain significance (1 of 4 stars; one submission).

Conditions:
Emery-Dreifuss muscular dystrophy 4, autosomal dominant (EDMD4). Also called: EMERY-DREIFUSS MUSCULAR DYSTROPHY 4 WITH VARIABLE FEATURES. Identifiers: Orphanet 261, MedGen C2751807, MONDO:0013071, OMIM 612998.
Autosomal recessive ataxia, Beauce type. Also called: SYNE1 Deficiency; Spinocerebellar ataxia, autosomal recessive 8; ATAXIA, RECESSIVE, OF BEAUCE; SYNE1-Related Autosomal Recessive Cerebellar Ataxia. Identifiers: Orphanet 88644, MedGen C1853116, MONDO:0012549, OMIM 610743.

Submission:

Labcorp Genetics (formerly Invitae), Labcorp
Classification: Uncertain significance for Emery-Dreifuss muscular dystrophy 4, autosomal dominant; Autosomal recessive ataxia, Beauce type. Last evaluated: 2021-12-08. Review status: criteria provided, single submitter. Criteria: Invitae Variant Classification Sherloc (09022015). Collection method: clinical testing. Allele origin: germline.
Comment: In summary, the available evidence is currently insufficient to determine the role of this variant in disease. Therefore, it has been classified as a Variant of Uncertain Significance. Algorithms developed to predict the effect of sequence changes on RNA splicing suggest that this variant may create or strengthen a splice site. This variant has not been reported in the literature in individuals affected with SYNE1-related conditions. This variant is not present in population databases (gnomAD no frequency). This sequence change falls in intron 114 of the SYNE1 gene. It does not directly change the encoded amino acid sequence of the SYNE1 protein.

NM_182961.4(SYNE1):c.21195+17G>A

Gene: SYNE1 (spectrin repeat containing nuclear envelope protein 1; minus strand). Cytogenetic location: 6q25.2.
Variant type: single nucleotide variant.
Coding change: c.21195+17G>A on transcript NM_182961.4 (MANE Select); 17 bases into the intron after coding-DNA position 21195, G replaced by A.
Molecular consequence: intron variant.
Genome position (GRCh38, 1-based): chr6:152,230,530, C>T on the plus strand (G>A on the coding strand, the complement: SYNE1 is on the minus strand). VCF-style: chr6-152230530-C-T. GRCh37 (hg19) VCF-style: chr6-152551665-C-T.
Other names: c.20982+17G>A (NM_033071.5).
Identifiers: ClinVar variation 2038013 (VCV002038013.4), dbSNP rs2551615228, ClinGen allele CA2578773726.